The following is an entry in ClinVar:

NM_000553.6(WRN):c.488A>T (p.Asp163Val)

Gene: WRN (WRN RecQ like helicase; plus strand). Cytogenetic location: 8p12.
Variant type: single nucleotide variant.
Coding change: c.488A>T on transcript NM_000553.6 (MANE Select); coding-DNA position 488, A replaced by T.
Protein change: p.Asp163Val; replaces aspartic acid 163 with valine.
Molecular consequence: missense variant.
Genome position (GRCh38, 1-based): chr8:31,065,047, A>T. VCF-style: chr8-31065047-A-T. GRCh37 (hg19) VCF-style: chr8-30922563-A-T.
Other names: short protein forms D163V.
Identifiers: ClinVar variation 404016 (VCV000404016.9), dbSNP rs769495252, ClinGen allele CA4704077.
Genomic context (GRCh38, chr8:31,065,047, plus strand): 5'-ATCAGTGGAAACTTCTACGTGACTTTGATATCAAATTGAAGAATTTTGTGGAGTTGACAG[A>T]TGTTGCCAATAAAAAGGTAAAAGCAATATATATATAATTTTCATGATGAAGATTATTTTG-3'
Protein context (NP_000544.2, residues 153-173): IKLKNFVELT[Asp163Val]VANKKLKCTE

ClinVar aggregate classification (germline): Uncertain significance. Review status: criteria provided, multiple submitters, no conflicts (2 of 4 stars). 2 submissions from 2 submitters: Uncertain significance (2). Last evaluated 2026-02-02.

Conditions:
Werner syndrome (WRN). Identifiers: Orphanet 902, MedGen C0043119, MONDO:0010196, OMIM 277700.

Allele frequency attached by ClinVar (database versions not stated): gnomAD exomes below 0.00001; ExAC 0.00001.
gnomAD v4.1: 16 of 1,613,394 alleles (0.00099%); highest among the groups gnomAD compares: Non-Finnish European, 0.0013%; no homozygotes.

Submissions (2):

Dasa
Classification: Uncertain significance. Last evaluated: 2026-02-02. Review status: criteria provided, single submitter. Criteria: DASA Assertion Criteria. Collection method: clinical testing. Allele origin: germline.
Comment: NM_000553.6(WRN):c.488A>T (p.Asp163Val) is a missense variant that results in the substitution of aspartic acid with valine. This variant is rare in population databases. The currently available literature and clinical evidence are not sufficient to establish a definitive association between this variant and the reported condition. Therefore, this variant is classified as a variant of uncertain significance.

Labcorp Genetics (formerly Invitae), Labcorp
Classification: Uncertain significance for Werner syndrome. Last evaluated: 2023-01-14. Review status: criteria provided, single submitter. Criteria: Invitae Variant Classification Sherloc (09022015). Collection method: clinical testing. Allele origin: germline.
Comment: This sequence change replaces aspartic acid, which is acidic and polar, with valine, which is neutral and non-polar, at codon 163 of the WRN protein (p.Asp163Val). This variant is present in population databases (rs769495252, gnomAD 0.0009%). This variant has not been reported in the literature in individuals affected with WRN-related conditions. ClinVar contains an entry for this variant (Variation ID: 404016). Algorithms developed to predict the effect of missense changes on protein structure and function are either unavailable or do not agree on the potential impact of this missense change (SIFT: "Not Available"; PolyPhen-2: "Probably Damaging"; Align-GVGD: "Not Available"). In summary, the available evidence is currently insufficient to determine the role of this variant in disease. Therefore, it has been classified as a Variant of Uncertain Significance.